The following is an entry in ClinVar:

NM_025179.4(PLXNA2):c.2856+9T>C

Gene: PLXNA2 (plexin A2; minus strand). Cytogenetic location: 1q32.2.
Variant type: single nucleotide variant.
Coding change: c.2856+9T>C on transcript NM_025179.4 (MANE Select); 9 bases into the intron after coding-DNA position 2856, T replaced by C.
Molecular consequence: intron variant.
Genome position (GRCh38, 1-based): chr1:208,054,412, A>G on the plus strand (T>C on the coding strand, the complement: PLXNA2 is on the minus strand). VCF-style: chr1-208054412-A-G. GRCh37 (hg19) VCF-style: chr1-208227757-A-G.
Identifiers: ClinVar variation 4989658 (VCV004989658.1).

ClinVar aggregate classification (germline): Likely benign (1 of 4 stars; one submission).

Conditions:
PLXNA2-related disorder. Also called: PLXNA2-related condition.

gnomAD v4.1: 2 of 1,597,892 alleles (0.00013%); highest among the groups gnomAD compares: Admixed American, 0.0033%; no homozygotes.

Submission:

PreventionGenetics, part of Exact Sciences
Classification: Likely benign for PLXNA2-related condition. Last evaluated: 2026-07-29. Review status: criteria provided, single submitter. Criteria: ACMG Guidelines, 2015. Collection method: clinical testing. Allele origin: germline.
Comment: This variant is classified as likely benign based on ACMG/AMP sequence variant interpretation guidelines (Richards et al. 2015 PMID: 25741868, with internal and published modifications).